The following is an entry in ClinVar:

ClinVar aggregate classification (germline): Uncertain significance (1 of 4 stars; one submission).

Conditions:
Cardiovascular phenotype. Identifiers: MedGen CN230736.

Submission:

Ambry Genetics
Classification: Uncertain significance for Cardiovascular phenotype. Last evaluated: 2020-11-25. Review status: criteria provided, single submitter. Criteria: Ambry Variant Classification Scheme 2023. Collection method: clinical testing. Allele origin: germline.
Comment: The p.G103D variant (also known as c.308G>A), located in coding exon 3 of the TTR gene, results from a G to A substitution at nucleotide position 308. The glycine at codon 103 is replaced by aspartic acid, an amino acid with similar properties. Another alteration at this position (p.G103R also known as p.G83R in legacy nomenclature) has been reported in the literature in association with familial amyloid polyneuropathy (Liu T et al. Eye (Lond), 2014 Jan;28:26-33). This amino acid position is highly conserved in available vertebrate species. In addition, the in silico prediction for the p.G103D alteration is inconclusive. Since supporting evidence is limited at this time, the clinical significance of this alteration remains unclear.

Literature cited by the submitters: PubMed 24113303.

NM_000371.4(TTR):c.308G>A (p.Gly103Asp)

Gene: TTR (transthyretin; plus strand). Cytogenetic location: 18q12.1.
Variant type: single nucleotide variant.
Coding change: c.308G>A on transcript NM_000371.4 (MANE Select); coding-DNA position 308, G replaced by A.
Protein change: p.Gly103Asp; replaces glycine 103 with aspartic acid.
Molecular consequence: missense variant.
Genome position (GRCh38, 1-based): chr18:31,595,227, G>A. VCF-style: chr18-31595227-G-A. GRCh37 (hg19) VCF-style: chr18-29175190-G-A.
Other names: short protein forms G103D.
Identifiers: ClinVar variation 1727444 (VCV001727444.2), dbSNP rs2510933070, ClinGen allele CA402157106.